The following is an entry in ClinVar:

NM_153717.3(EVC):c.1075G>A (p.Asp359Asn)

Gene: EVC (EvC ciliary complex subunit 1; plus strand). Cytogenetic location: 4p16.2.
Variant type: single nucleotide variant.
Coding change: c.1075G>A on transcript NM_153717.3 (MANE Select); coding-DNA position 1075, G replaced by A.
Protein change: p.Asp359Asn; replaces aspartic acid 359 with asparagine.
Molecular consequence: missense variant.
Genome position (GRCh38, 1-based): chr4:5,748,283, G>A. VCF-style: chr4-5748283-G-A. GRCh37 (hg19) VCF-style: chr4-5750010-G-A.
Other names: c.1075G>A, p.Asp359Asn (NM_001306090.2, NM_001306092.2); short protein forms D359N.
Identifiers: ClinVar variation 349171 (VCV000349171.6), dbSNP rs150923920, ClinGen allele CA2835975.

ClinVar aggregate classification (germline): Uncertain significance. Review status: criteria provided, multiple submitters, no conflicts (2 of 4 stars). 2 submissions from 2 submitters: Uncertain significance (2). Last evaluated 2022-02-05.

Conditions:
Ellis-van Creveld syndrome (EVC). Also called: EVC-Related Ellis-van Creveld Syndrome; EVC2-Related Ellis-van Creveld Syndrome; MESOECTODERMAL DYSPLASIA; Chondroectodermal dysplasia. Identifiers: Orphanet 289, MedGen C0013903, MONDO:0009162, OMIM 225500.
Curry-Hall syndrome (WAD). Also called: WEYERS ACRODENTAL DYSOSTOSIS. Identifiers: Orphanet 952, MedGen C0457013, MONDO:0008673, OMIM 193530.

Allele frequency attached by ClinVar (database versions not stated): gnomAD 0.00003 and 0.00004; ExAC 0.00004; gnomAD exomes 0.00004; TOPMed 0.00005; ESP Exome Variant Server 0.00015.
gnomAD v4.1: 71 of 1,614,010 alleles (0.0044%); highest among the groups gnomAD compares: Non-Finnish European, 0.0053%; no homozygotes.

Submissions (2):

Labcorp Genetics (formerly Invitae), Labcorp
Classification: Uncertain significance for Curry-Hall syndrome; Ellis-van Creveld syndrome. Last evaluated: 2022-02-05. Review status: criteria provided, single submitter. Criteria: Invitae Variant Classification Sherloc (09022015). Collection method: clinical testing. Allele origin: germline.
Comment: This sequence change replaces aspartic acid, which is acidic and polar, with asparagine, which is neutral and polar, at codon 359 of the EVC protein (p.Asp359Asn). This variant is present in population databases (rs150923920, gnomAD 0.01%). This variant has not been reported in the literature in individuals affected with EVC-related conditions. ClinVar contains an entry for this variant (Variation ID: 349171). Algorithms developed to predict the effect of missense changes on protein structure and function are either unavailable or do not agree on the potential impact of this missense change (SIFT: "Deleterious"; PolyPhen-2: "Benign"; Align-GVGD: "Class C0"). In summary, the available evidence is currently insufficient to determine the role of this variant in disease. Therefore, it has been classified as a Variant of Uncertain Significance.

Illumina Laboratory Services, Illumina
Classification: Uncertain significance for Ellis-van Creveld syndrome. Last evaluated: 2018-01-13. Review status: criteria provided, single submitter. Criteria: ICSL Variant Classification Criteria 13 December 2019. Collection method: clinical testing. Allele origin: germline.